The following is an entry in ClinVar:

ClinVar aggregate classification (germline): Uncertain significance (1 of 4 stars; one submission).

Allele frequency attached by ClinVar (database versions not stated): gnomAD exomes below 0.00001; ExAC 0.00001.
gnomAD v4.1: 2 of 1,612,682 alleles (0.00012%); highest among the groups gnomAD compares: East Asian, 0.0022%; no homozygotes.

Submission:

Ambry Genetics
Classification: Uncertain significance. Last evaluated: 2023-02-15. Review status: criteria provided, single submitter. Criteria: Ambry Variant Classification Scheme 2023. Collection method: clinical testing. Allele origin: germline.
Comment: The p.G222R variant (also known as c.664G>A), located in coding exon 1 of the EGLN2 gene, results from a G to A substitution at nucleotide position 664. The glycine at codon 222 is replaced by arginine, an amino acid with dissimilar properties. This amino acid position is conserved. In addition, the in silico prediction for this alteration is inconclusive. Since supporting evidence is limited at this time, the clinical significance of this alteration remains unclear.

NM_080732.4(EGLN2):c.664G>A (p.Gly222Arg)

Genes: EGLN2 (egl-9 family hypoxia inducible factor 2; plus strand), RAB4B-EGLN2 (RAB4B-EGLN2 readthrough (NMD candidate); plus strand). Cytogenetic location: 19q13.2.
Variant type: single nucleotide variant.
Coding change: c.664G>A on transcript NM_080732.4 (MANE Select); coding-DNA position 664, G replaced by A.
Protein change: p.Gly222Arg; replaces glycine 222 with arginine.
Molecular consequence: missense variant. On other transcripts: non-coding transcript variant (1).
Genome position (GRCh38, 1-based): chr19:40,801,236, G>A. VCF-style: chr19-40801236-G-A. GRCh37 (hg19) VCF-style: chr19-41307141-G-A.
Other names: c.664G>A, p.Gly222Arg (NM_053046.4); short protein forms G222R.
Identifiers: ClinVar variation 2451341 (VCV002451341.2), dbSNP rs746585443, ClinGen allele CA9452274.
Genomic context (GRCh38, chr19:40,801,236, plus strand): 5'-CTGGGCGGTCGCGTGCTGGCCGAGGTGGAGGCCCTCAAACGGGGTGGGCGCCTGCGAGAC[G>A]GGCAGCTAGTGAGCCAGAGGGCGATCCCGCCGCGCAGCATCCGTGGGGACCAGATTGCCT-3'
Protein context (NP_542770.2, residues 212-232): ALKRGGRLRD[Gly222Arg]QLVSQRAIPP